The following is an entry in ClinVar:

ClinVar aggregate classification (germline): Likely benign (1 of 4 stars; one submission).

gnomAD v4.1: 389 of 1,614,190 alleles (0.024%); highest among the groups gnomAD compares: East Asian, 0.77%; 1 homozygote.

Submission:

CeGaT Center for Human Genetics Tuebingen
Classification: Likely benign. Last evaluated: 2025-08-01. Review status: criteria provided, single submitter. Criteria: CeGaT Center For Human Genetics Tuebingen Variant Classification Criteria Version 2. Collection method: clinical testing. Allele origin: germline. Affected: yes. Observed: 1 variant allele.
Comment: QRICH2: BP4, BP7

NM_001388453.1(QRICH2):c.4437G>A (p.Glu1479=)

Gene: QRICH2 (glutamine rich 2; minus strand). Cytogenetic location: 17q25.1.
Variant type: single nucleotide variant.
Coding change: c.4437G>A on transcript NM_001388453.1 (MANE Select); coding-DNA position 4437, G replaced by A.
Protein change: p.Glu1479=; no amino-acid change (glutamic acid 1479 retained).
Molecular consequence: synonymous variant. On other transcripts: non-coding transcript variant (1).
Genome position (GRCh38, 1-based): chr17:76,280,678, C>T on the plus strand (G>A on the coding strand, the complement: QRICH2 is on the minus strand). VCF-style: chr17-76280678-C-T. GRCh37 (hg19) VCF-style: chr17-74276759-C-T.
Other names: c.4437G>A, p.Glu1479= (NM_032134.3).
Identifiers: ClinVar variation 4084074 (VCV004084074.8).
Genomic context (GRCh38, chr17:76,280,678, plus strand): 5'-TGGGACACAGCGTGGCTCCTGGGGCCTGGCACCCACCACATCGATCTCCATCTCCAGGTG[C>T]TCCCTGTTGGCCTTTTCCTTTTCGAGCTTCTCCAGACCCTGGTACAGCATCTGGGGAGGC-3'
Protein context (NP_001375382.1, residues 1469-1489): EKLEKEKANR[Glu1479=]HLEMEIDVKA